The following is an entry in ClinVar:

ClinVar aggregate classification (germline): Pathogenic (1 of 4 stars; one submission).

Conditions:
Juvenile polyposis syndrome (JPS). Identifiers: Orphanet 2929, MedGen C0345893, MONDO:0017380, OMIM 174900.

Submission:

Labcorp Genetics (formerly Invitae), Labcorp
Classification: Pathogenic for Juvenile polyposis syndrome. Last evaluated: 2021-02-15. Review status: criteria provided, single submitter. Criteria: Invitae Variant Classification Sherloc (09022015). Collection method: clinical testing. Allele origin: germline.
Comment: This sequence change creates a premature translational stop signal (p.Tyr117Cysfs*3) in the SMAD4 gene. It is expected to result in an absent or disrupted protein product. Loss-of-function variants in SMAD4 are known to be pathogenic (PMID: 16152648, 16436638, 22810475). This variant is not present in population databases (ExAC no frequency). This variant has not been reported in the literature in individuals with SMAD4-related conditions. For these reasons, this variant has been classified as Pathogenic.

Literature cited by the submitters: PubMed 16152648; PubMed 16436638; PubMed 22810475.

NM_005359.6(SMAD4):c.348_349del (p.Tyr117fs)

Gene: SMAD4 (SMAD family member 4; plus strand). Cytogenetic location: 18q21.2.
Variant type: Deletion.
Coding change: c.348_349del on transcript NM_005359.6 (MANE Select); coding-DNA positions 348 to 349, 2 bases deleted (GT; older notation c.348_349delGT).
Protein change: p.Tyr117fs; shifts the reading frame from tyrosine 117.
Molecular consequence: frameshift variant.
Genome position (GRCh38, 1-based): chr18:51,048,784-51,048,785, GT deleted. VCF-style (leftmost placement, unchanged base first): chr18-51048783-AGT-A. GRCh37 (hg19) VCF-style: chr18-48575153-AGT-A.
Other names: short protein forms Y117fs.
Identifiers: ClinVar variation 1395560 (VCV001395560.6), dbSNP rs2144405750, ClinGen allele CA2573155409.